The following is an entry in ClinVar:

ClinVar aggregate classification (germline): Uncertain significance (1 of 4 stars; one submission).

gnomAD v4.1: 3 of 1,563,634 alleles (0.00019%); highest among the groups gnomAD compares: Non-Finnish European, 0.00026%; no homozygotes.

Submission:

Labcorp Genetics (formerly Invitae), Labcorp
Classification: Uncertain significance. Last evaluated: 2023-11-28. Review status: criteria provided, single submitter. Criteria: Invitae Variant Classification Sherloc (09022015). Collection method: clinical testing. Allele origin: germline.
Comment: This sequence change replaces aspartic acid, which is acidic and polar, with alanine, which is neutral and non-polar, at codon 25 of the DMRT2 protein (p.Asp25Ala). This variant is not present in population databases (gnomAD no frequency). This variant has not been reported in the literature in individuals affected with DMRT2-related conditions. An algorithm developed to predict the effect of missense changes on protein structure and function (PolyPhen-2) suggests that this variant is likely to be disruptive. In summary, the available evidence is currently insufficient to determine the role of this variant in disease. Therefore, it has been classified as a Variant of Uncertain Significance.

NM_181872.6(DMRT2):c.74A>C (p.Asp25Ala)

Gene: DMRT2 (doublesex and mab-3 related transcription factor 2; plus strand). Cytogenetic location: 9p24.3.
Variant type: single nucleotide variant.
Coding change: c.74A>C on transcript NM_181872.6 (MANE Select); coding-DNA position 74, A replaced by C.
Protein change: p.Asp25Ala; replaces aspartic acid 25 with alanine.
Molecular consequence: missense variant. On other transcripts: 5 prime UTR variant (1), non-coding transcript variant (1).
Genome position (GRCh38, 1-based): chr9:1,051,687, A>C. VCF-style: chr9-1051687-A-C. GRCh37 (hg19) VCF-style: chr9-1051687-A-C.
Other names: c.74A>C, p.Asp25Ala (NM_001130865.3, NM_001370531.1, NM_001370533.1 and 4 more transcripts); c.-577A>C (NM_001370532.1); short protein forms D25A.
Identifiers: ClinVar variation 2779496 (VCV002779496.3), dbSNP rs776920272, ClinGen allele CA372772963.